The following is an entry in ClinVar:

ClinVar aggregate classification (germline): Benign. Review status: criteria provided, multiple submitters, no conflicts (2 of 4 stars). 2 submissions from 2 submitters: Benign (2). Last evaluated 2018-06-14.

Allele frequency attached by ClinVar (database versions not stated): gnomAD 0.20818 and 0.22026; TOPMed 0.22057; gnomAD exomes 0.23159; 1000 Genomes Project 30x 0.32683; 1000 Genomes Project 0.33566.
gnomAD v4.1: 271,425 of 1,180,160 alleles (23%); highest among the groups gnomAD compares: East Asian, 61%; 37,625 homozygotes.

Submissions (2):

GeneDx
Classification: Benign. Last evaluated: 2018-06-14. Review status: criteria provided, single submitter. Criteria: GeneDx Variant Classification (06012015). Collection method: clinical testing. Allele origin: germline. Affected: yes.
Comment: This variant is considered likely benign or benign based on one or more of the following criteria: it is a conservative change, it occurs at a poorly conserved position in the protein, it is predicted to be benign by multiple in silico algorithms, and/or has population frequency not consistent with disease.

Breakthrough Genomics
Classification: Benign. Review status: criteria provided, single submitter. Criteria: ACMG Guidelines, 2015. Collection method: not provided. Allele origin: germline. Inheritance: Autosomal recessive inheritance. Affected: yes.

NM_001128840.3(CACNA1D):c.623+94T>C

Gene: CACNA1D (calcium voltage-gated channel subunit alpha1 D; plus strand). Cytogenetic location: 3p21.1.
Variant type: single nucleotide variant.
Coding change: c.623+94T>C on transcript NM_001128840.3 (MANE Select); 94 bases into the intron after coding-DNA position 623, T replaced by C.
Molecular consequence: intron variant.
Genome position (GRCh38, 1-based): chr3:53,651,012, T>C. VCF-style: chr3-53651012-T-C. GRCh37 (hg19) VCF-style: chr3-53685039-T-C.
Other names: c.623+94T>C (NM_001128839.3, NM_000720.4).
Identifiers: ClinVar variation 682763 (VCV000682763.2), dbSNP rs2276836, ClinGen allele CA75070689.